The following is an entry in ClinVar:

NM_002645.4(PIK3C2A):c.2157T>G (p.Asp719Glu)

Gene: PIK3C2A (phosphatidylinositol-4-phosphate 3-kinase catalytic subunit type 2 alpha; minus strand). Cytogenetic location: 11p15.1.
Variant type: single nucleotide variant.
Coding change: c.2157T>G on transcript NM_002645.4 (MANE Select); coding-DNA position 2157, T replaced by G.
Protein change: p.Asp719Glu; replaces aspartic acid 719 with glutamic acid.
Molecular consequence: missense variant.
Genome position (GRCh38, 1-based): chr11:17,131,990, A>C on the plus strand (T>G on the coding strand, the complement: PIK3C2A is on the minus strand). VCF-style: chr11-17131990-A-C. GRCh37 (hg19) VCF-style: chr11-17153537-A-C.
Other names: c.2157T>G, p.Asp719Glu (NM_001321378.2); c.1017T>G, p.Asp339Glu (NM_001321380.2); short protein forms D339E, D719E.
Identifiers: ClinVar variation 940979 (VCV000940979.8), dbSNP rs145312949, ClinGen allele CA5901169.
Genomic context (GRCh38, chr11:17,131,990, plus strand): 5'-AATAAGATAGAAGAAATTCTTGTAAGTGCCAACCTTCTTTGATTGAATAGGTTTAAAAAG[A>C]TCCTTTCCATTGTGAGACAGTGAACATATCAAGTAGTATTTTTCATAACTGAGAAAAGAA-3'
Protein context (NP_002636.2, residues 709-729): LICSLSHNGK[Asp719Glu]LFKPIQSKKV

ClinVar aggregate classification (germline): Uncertain significance (1 of 4 stars; one submission).

Allele frequency attached by ClinVar (database versions not stated): gnomAD exomes 0.00043 and 0.00055; ESP Exome Variant Server 0.00046; 1000 Genomes Project 30x 0.00047; ExAC 0.00055; 1000 Genomes Project 0.00060; gnomAD 0.00021 and 0.00024; TOPMed 0.00042.

Submission:

Labcorp Genetics (formerly Invitae), Labcorp
Classification: Uncertain significance. Last evaluated: 2024-01-09. Review status: criteria provided, single submitter. Criteria: Invitae Variant Classification Sherloc (09022015). Collection method: clinical testing. Allele origin: germline.
Comment: This sequence change replaces aspartic acid, which is acidic and polar, with glutamic acid, which is acidic and polar, at codon 719 of the PIK3C2A protein (p.Asp719Glu). This variant is present in population databases (rs145312949, gnomAD 0.1%), and has an allele count higher than expected for a pathogenic variant. This variant has not been reported in the literature in individuals affected with PIK3C2A-related conditions. ClinVar contains an entry for this variant (Variation ID: 940979). Experimental studies and prediction algorithms are not available or were not evaluated, and the functional significance of this variant is currently unknown. In summary, the available evidence is currently insufficient to determine the role of this variant in disease. Therefore, it has been classified as a Variant of Uncertain Significance.